The following is an entry in ClinVar:

ClinVar aggregate classification (germline): Uncertain significance (1 of 4 stars; one submission).

Submission:

Ambry Genetics
Classification: Uncertain significance. Last evaluated: 2026-06-01. Review status: criteria provided, single submitter. Criteria: Ambry Variant Classification Scheme 2023. Collection method: clinical testing. Allele origin: germline.
Comment: The p.V138E variant (also known as c.413T>A), located in coding exon 4 of the RAD51B gene, results from a T to A substitution at nucleotide position 413. The valine at codon 138 is replaced by glutamic acid, an amino acid with dissimilar properties. This amino acid position is conserved. In addition, this alteration is predicted to be deleterious by in silico analysis. Based on the available evidence, the clinical significance of this variant remains unclear.

NM_133510.4(RAD51B):c.413T>A (p.Val138Glu)

Gene: RAD51B (RAD51 paralog B; plus strand). Cytogenetic location: 14q24.1.
Variant type: single nucleotide variant.
Coding change: c.413T>A on transcript NM_133510.4 (MANE Select); coding-DNA position 413, T replaced by A.
Protein change: p.Val138Glu; replaces valine 138 with glutamic acid.
Molecular consequence: missense variant.
Genome position (GRCh38, 1-based): chr14:67,865,100, T>A. VCF-style: chr14-67865100-T-A. GRCh37 (hg19) VCF-style: chr14-68331817-T-A.
Other names: c.413T>A, p.Val138Glu (NM_001321819.1, NM_001321821.2, NM_002877.6 and 6 more transcripts); c.299T>A, p.Val100Glu (NM_001321815.1); c.56T>A, p.Val19Glu (NM_001321817.2); short protein forms V100E, V138E, V19E.
Identifiers: ClinVar variation 4862918 (VCV004862918.1).